The following is an entry in ClinVar:

ClinVar aggregate classification (germline): Likely benign (0 of 4 stars; one submission).

Conditions:
PHIP-related disorder. Also called: PHIP-related condition; PHIP-related disorders.

Allele frequency attached by ClinVar (database versions not stated): ExAC 0.00001; gnomAD exomes 0.00001; gnomAD 0.00002; TOPMed 0.00003.
gnomAD v4.1: 20 of 1,606,016 alleles (0.0012%); highest among the groups gnomAD compares: Non-Finnish European, 0.0016%; no homozygotes.

Submission:

PreventionGenetics, part of Exact Sciences
Classification: Likely benign for PHIP-related condition. Last evaluated: 2022-10-20. Review status: no assertion criteria provided. Collection method: clinical testing. Allele origin: germline.
Comment: This variant is classified as likely benign based on ACMG/AMP sequence variant interpretation guidelines (Richards et al. 2015 PMID: 25741868, with internal and published modifications).

NM_017934.7(PHIP):c.3210C>T (p.Asp1070=)

Genes: IRAK1BP1 (interleukin 1 receptor associated kinase 1 binding protein 1; plus strand), PHIP (PHIP subunit of CUL4-Ring ligase complex; minus strand). Cytogenetic location: 6q14.1.
Variant type: single nucleotide variant.
Coding change: c.3210C>T on transcript NM_017934.7 (MANE Select); coding-DNA position 3210, C replaced by T.
Protein change: p.Asp1070=; no amino-acid change (aspartic acid 1070 retained).
Molecular consequence: synonymous variant.
Genome position (GRCh38, 1-based): chr6:78,966,052, G>A on the plus strand (C>T on the coding strand, the complement: PHIP is on the minus strand). VCF-style: chr6-78966052-G-A. GRCh37 (hg19) VCF-style: chr6-79675769-G-A.
Identifiers: ClinVar variation 3029225 (VCV003029225.2), dbSNP rs768902386, ClinGen allele CA3899738.